The following is an entry in ClinVar:

NM_000094.4(COL7A1):c.5098-2A>T

Gene: COL7A1 (collagen type VII alpha 1 chain; minus strand). Cytogenetic location: 3p21.31.
Variant type: single nucleotide variant.
Coding change: c.5098-2A>T on transcript NM_000094.4 (MANE Select); the canonical splice acceptor site of the intron before coding-DNA position 5098, A replaced by T.
Molecular consequence: splice acceptor variant.
Genome position (GRCh38, 1-based): chr3:48,580,059, T>A on the plus strand (A>T on the coding strand, the complement: COL7A1 is on the minus strand). VCF-style: chr3-48580059-T-A. GRCh37 (hg19) VCF-style: chr3-48617492-T-A.
Identifiers: ClinVar variation 4999739 (VCV004999739.1).

ClinVar aggregate classification (germline): Likely pathogenic (1 of 4 stars; one submission).

Conditions:
COL7A1-related disorder. Also called: COL7A1- related disorders; COL7A1-related condition.

Submission:

PreventionGenetics, part of Exact Sciences
Classification: Likely pathogenic for COL7A1-related condition. Last evaluated: 2025-03-25. Review status: criteria provided, single submitter. Criteria: ACMG Guidelines, 2015. Collection method: clinical testing. Allele origin: germline.
Comment: The COL7A1 c.5098-2A>T variant is predicted to disrupt the AG splice acceptor site and interfere with normal splicing. To our knowledge, this variant has not been reported in the literature or in a large population database (gnomAD), indicating this variant is rare. Variants that disrupt the consensus splice acceptor site in COL7A1 are expected to be pathogenic. This variant is interpreted as likely pathogenic.